The following is an entry in ClinVar:

ClinVar aggregate classification (germline): Pathogenic (1 of 4 stars; one submission).

Conditions:
Hereditary cancer-predisposing syndrome. Also called: Tumor predisposition; Hereditary Cancer Syndrome; Hereditary neoplastic syndrome; Neoplastic Syndromes, Hereditary. Identifiers: Orphanet 140162, MedGen C0027672, MeSH D009386, MONDO:0015356.

Submission:

Ambry Genetics
Classification: Pathogenic for Hereditary cancer-predisposing syndrome. Last evaluated: 2024-03-21. Review status: criteria provided, single submitter. Criteria: Ambry Variant Classification Scheme 2023. Collection method: clinical testing. Allele origin: germline.
Comment: The c.200_201delCA pathogenic mutation, located in coding exon 2 of the NF2 gene, results from a deletion of two nucleotides at nucleotide positions 200 to 201, causing a translational frameshift with a predicted alternate stop codon (p.T67Nfs*18). This variant is considered to be rare based on population cohorts in the Genome Aggregation Database (gnomAD). This alteration is expected to result in loss of function by premature protein truncation or nonsense-mediated mRNA decay. As such, this alteration is interpreted as a disease-causing mutation.

NM_000268.4(NF2):c.200_201del (p.Thr67fs)

Gene: NF2 (NF2, moesin-ezrin-radixin like (MERLIN) tumor suppressor; plus strand). Cytogenetic location: 22q12.2.
Variant type: Microsatellite.
Coding change: c.200_201del on transcript NM_000268.4 (MANE Select); coding-DNA positions 200 to 201, 2 bases deleted (CA; older notation c.200_201delCA).
Protein change: p.Thr67fs; shifts the reading frame from threonine 67.
Molecular consequence: frameshift variant. On other transcripts: 5 prime UTR variant (2), intron variant (6).
Genome position (GRCh38, 1-based): chr22:29,636,836-29,636,837, CA deleted; deleting any 2 consecutive bases within chr22:29,636,833-29,636,837 gives the same sequence; the c. name uses the placement nearest the transcript's 3' end. VCF-style (leftmost placement, unchanged base first): chr22-29636832-TAC-T. GRCh37 (hg19) VCF-style: chr22-30032821-TAC-T.
Other names: c.200_201delCA (NM_000268.3); c.198_199CA[1], p.Thr67Asnfs (NM_000268.3); c.86_87del, p.Thr29fs (NM_001407053.1, NM_001407056.1); c.200_201del, p.Thr67fs (NM_001407054.1, NM_001407057.1, NM_001407058.1 and 9 more transcripts); c.-443CA[1] (NM_001407065.1); c.-59CA[1] (NM_001407067.1); c.115-2254_115-2253del (NM_181828.3, NM_001407055.1); c.115-5366_115-5365del (NM_001407063.1, NM_181830.3, NM_001407064.1 and 1 more transcripts); short protein forms T67fs, T29fs.
Identifiers: ClinVar variation 3299410 (VCV003299410.1).